The following is an entry in ClinVar:

NM_139076.3(ABRAXAS1):c.436A>G (p.Thr146Ala)

Gene: ABRAXAS1 (abraxas 1, BRCA1 A complex subunit; minus strand). Cytogenetic location: 4q21.23.
Variant type: single nucleotide variant.
Coding change: c.436A>G on transcript NM_139076.3 (MANE Select); coding-DNA position 436, A replaced by G.
Protein change: p.Thr146Ala; replaces threonine 146 with alanine.
Molecular consequence: missense variant.
Genome position (GRCh38, 1-based): chr4:83,470,243, T>C on the plus strand (A>G on the coding strand, the complement: ABRAXAS1 is on the minus strand). VCF-style: chr4-83470243-T-C. GRCh37 (hg19) VCF-style: chr4-84391396-T-C.
Other names: c.109A>G, p.Thr37Ala (NM_001345962.2); short protein forms T146A, T37A.
Identifiers: ClinVar variation 935373 (VCV000935373.12), dbSNP rs1472680353, ClinGen allele CA357259747.

ClinVar aggregate classification (germline): Uncertain significance. Review status: criteria provided, multiple submitters, no conflicts (2 of 4 stars). 2 submissions from 2 submitters: Uncertain significance (2). Last evaluated 2025-04-10.

Allele frequency attached by ClinVar (database versions not stated): gnomAD exomes below 0.00001.
gnomAD v4.1: 2 of 1,613,748 alleles (0.00012%); highest among the groups gnomAD compares: Non-Finnish European, 0.00017%; no homozygotes.

Submissions (2):

Ambry Genetics
Classification: Uncertain significance. Last evaluated: 2025-04-10. Review status: criteria provided, single submitter. Criteria: Ambry Variant Classification Scheme 2023. Collection method: clinical testing. Allele origin: germline.
Comment: The p.T146A variant (also known as c.436A>G), located in coding exon 5 of the FAM175A gene, results from an A to G substitution at nucleotide position 436. The threonine at codon 146 is replaced by alanine, an amino acid with similar properties. This amino acid position is conserved. In addition, this alteration is predicted to be deleterious by in silico analysis. Since supporting evidence is limited at this time, the clinical significance of this alteration remains unclear.

Labcorp Genetics (formerly Invitae), Labcorp
Classification: Uncertain significance. Last evaluated: 2019-09-22. Review status: criteria provided, single submitter. Criteria: Invitae Variant Classification Sherloc (09022015). Collection method: clinical testing. Allele origin: germline.
Comment: This sequence change replaces threonine with alanine at codon 146 of the ABRAXAS1 protein (p.Thr146Ala). The threonine residue is highly conserved and there is a small physicochemical difference between threonine and alanine. In summary, the available evidence is currently insufficient to determine the role of this variant in disease. Therefore, it has been classified as a Variant of Uncertain Significance. Algorithms developed to predict the effect of missense changes on protein structure and function are either unavailable or do not agree on the potential impact of this missense change (SIFT: "Deleterious"; PolyPhen-2: "Probably Damaging"; Align-GVGD: "Class C0"). This variant has not been reported in the literature in individuals with ABRAXAS1-related conditions. This variant is not present in population databases (ExAC no frequency).